The following is an entry in ClinVar:

NM_001042492.3(NF1):c.5410delinsTT (p.Ala1804fs)

Gene: NF1 (neurofibromin 1; plus strand). Cytogenetic location: 17q11.2.
Variant type: Indel.
Coding change: c.5410delinsTT on transcript NM_001042492.3 (MANE Select); coding-DNA position 5410, G replaced by TT.
Protein change: p.Ala1804fs; shifts the reading frame from alanine 1804.
Molecular consequence: frameshift variant.
Genome position (GRCh38, 1-based): chr17:31,327,640, G replaced by TT. VCF-style: chr17-31327640-G-TT. GRCh37 (hg19) VCF-style: chr17-29654658-G-TT.
Other names: c.5410delGinsTT (NM_001042492.3); c.5347delGinsTT, p.Ala1783Phefs (NM_000267.4); short protein forms A1783fs, A1804fs.
Identifiers: ClinVar variation 2573102 (VCV002573102.1), dbSNP rs2508706492, ClinGen allele CA2580614086.

ClinVar aggregate classification (germline): Likely pathogenic (1 of 4 stars; one submission).

Conditions:
Neurofibromatosis, type 1 (NF1). Also called: Neurofibromatosis, type I; NEUROFIBROMATOSIS, TYPE I, SOMATIC; VON RECKLINGHAUSEN DISEASE; Peripheral type neurofibromatosis. Identifiers: Orphanet 636, MedGen C0027831, MONDO:0018975, OMIM 162200. Disease mechanism: loss of function.

Submission:

Department of Medical Genetics, Gazi University
Classification: Likely pathogenic for Neurofibromatosis, type 1. Last evaluated: 2023-07-18. Review status: criteria provided, single submitter. Criteria: ACMG Guidelines, 2015. Collection method: clinical testing. Allele origin: unknown. Affected: yes. Observed: 1 heterozygote.
Comment: The variant is predicted to lead to protein truncation or nonsense-mediated decay in the NF1 gene. Loss-of-function variants in NF1 are known to be pathogenic (PMID: 10712197, 23913538). This variant has not been reported in large, multi-ethnic general populations (GnomAD). Thus this variant classified as likely pathogenic.